The following is an entry in ClinVar:

ClinVar aggregate classification (germline): Conflicting classifications of pathogenicity. Review status: criteria provided, conflicting classifications (1 of 4 stars). 5 submissions from 5 submitters: Uncertain significance (4); Likely benign (1). Last evaluated 2025-12-08.

Conditions:
Inborn genetic diseases. Identifiers: MedGen C0950123, MeSH D030342.
Aortic valve disease 2 (AOVD2). Identifiers: MedGen C3542024, MONDO:0013902, OMIM 614823.

Allele frequency attached by ClinVar (database versions not stated): ExAC below 0.00001; TOPMed 0.00006; gnomAD 0.00009 and 0.00010.
gnomAD v4.1: 89 of 1,221,430 alleles (0.0073%); highest among the groups gnomAD compares: Admixed American, 0.031%; no homozygotes.

Submissions (5):

Labcorp Genetics (formerly Invitae), Labcorp
Classification: Uncertain significance for Aortic valve disease 2. Last evaluated: 2025-12-08. Review status: criteria provided, single submitter. Criteria: Invitae Variant Classification Sherloc (09022015). Collection method: clinical testing. Allele origin: germline.
Comment: This sequence change replaces methionine, which is neutral and non-polar, with leucine, which is neutral and non-polar, at codon 93 of the SMAD6 protein (p.Met93Leu). This variant is present in population databases (rs781686740, gnomAD 0.3%). This variant has not been reported in the literature in individuals affected with SMAD6-related conditions. ClinVar contains an entry for this variant (Variation ID: 662804). An algorithm developed to predict the effect of missense changes on protein structure and function outputs the following: PolyPhen-2: "Benign". The leucine amino acid residue is found in multiple mammalian species, which suggests that this missense change does not adversely affect protein function. In summary, the available evidence is currently insufficient to determine the role of this variant in disease. Therefore, it has been classified as a Variant of Uncertain Significance.

Blueprint Genetics
Classification: Likely benign. Last evaluated: 2024-11-27. Review status: criteria provided, single submitter. Criteria: ACMG Guidelines, 2015. Collection method: clinical testing. Allele origin: germline.

Ambry Genetics
Classification: Uncertain significance for Inborn genetic diseases. Last evaluated: 2024-07-17. Review status: criteria provided, single submitter. Criteria: Ambry Variant Classification Scheme 2023. Collection method: clinical testing. Allele origin: germline.
Comment: The p.M93L variant (also known as c.277A>T), located in coding exon 1 of the SMAD6 gene, results from an A to T substitution at nucleotide position 277. The methionine at codon 93 is replaced by leucine, an amino acid with highly similar properties. This amino acid position is conserved. In addition, this alteration is predicted to be tolerated by in silico analysis. Since supporting evidence is limited at this time, the clinical significance of this alteration remains unclear.

Women's Health and Genetics/Laboratory Corporation of America, LabCorp
Classification: Uncertain significance. Last evaluated: 2024-03-11. Review status: criteria provided, single submitter. Criteria: LabCorp Variant Classification Summary - May 2015. Collection method: clinical testing. Allele origin: germline.

Department of Pathology and Laboratory Medicine, Sinai Health System
Classification: Uncertain significance for Aortic valve disease 2. Last evaluated: 2023-02-09. Review status: criteria provided, single submitter. Criteria: ACMG Guidelines, 2015. Collection method: research. Allele origin: germline.

NM_005585.5(SMAD6):c.277A>T (p.Met93Leu)

Gene: SMAD6 (SMAD family member 6; plus strand). Cytogenetic location: 15q22.31.
Variant type: single nucleotide variant.
Coding change: c.277A>T on transcript NM_005585.5 (MANE Select); coding-DNA position 277, A replaced by T.
Protein change: p.Met93Leu; replaces methionine 93 with leucine.
Molecular consequence: missense variant. On other transcripts: non-coding transcript variant (1).
Genome position (GRCh38, 1-based): chr15:66,703,535, A>T. VCF-style: chr15-66703535-A-T. GRCh37 (hg19) VCF-style: chr15-66995873-A-T.
Other names: short protein forms M93L.
Identifiers: ClinVar variation 662804 (VCV000662804.15), dbSNP rs781686740, ClinGen allele CA7626451.